The following is an entry in ClinVar:

NM_006206.6(PDGFRA):c.894G>T (p.Glu298Asp)

Gene: PDGFRA (platelet derived growth factor receptor alpha; plus strand). Cytogenetic location: 4q12.
Variant type: single nucleotide variant.
Coding change: c.894G>T on transcript NM_006206.6 (MANE Select); coding-DNA position 894, G replaced by T.
Protein change: p.Glu298Asp; replaces glutamic acid 298 with aspartic acid.
Molecular consequence: missense variant.
Genome position (GRCh38, 1-based): chr4:54,267,423, G>T. VCF-style: chr4-54267423-G-T. GRCh37 (hg19) VCF-style: chr4-55133590-G-T.
Other names: c.894G>T, p.Glu298Asp (NM_001347827.2, NM_001347829.2); c.969G>T, p.Glu323Asp (NM_001347828.2); c.933G>T, p.Glu311Asp (NM_001347830.2); short protein forms E311D, E298D, E323D.
Identifiers: ClinVar variation 2011247 (VCV002011247.5), dbSNP rs1253098644, ClinGen allele CA356891336.
Genomic context (GRCh38, chr4:54,267,423, plus strand): 5'-CGAGGCCACGGTGAAAGACAGTGGAGATTACGAATGTGCTGCCCGCCAGGCTACCAGGGA[G>T]GTCAAAGAAATGAAGAAAGTCACTATTTCTGTCCATGGTACATTCCGCTTTCTAAAATGT-3'
Protein context (NP_006197.1, residues 288-308): YECAARQATR[Glu298Asp]VKEMKKVTIS

ClinVar aggregate classification (germline): Uncertain significance. Review status: criteria provided, multiple submitters, no conflicts (2 of 4 stars). 2 submissions from 2 submitters: Uncertain significance (2). Last evaluated 2025-05-28.

Conditions:
Idiopathic hypereosinophilic syndrome (HES). Identifiers: Orphanet 3260, MedGen C0206141, MONDO:0011895, OMIM 607685. Disease mechanism: gain of function.
Gastrointestinal stromal tumor. Also called: Gastrointestinal stroma tumor; Gastrointestinal stromal tumor, somatic. Identifiers: Orphanet 44890, MedGen C0238198, MeSH D046152, MONDO:0011719, OMIM 606764, HP:0100723.

Submissions (2):

Revvity Omics, Revvity
Classification: Uncertain significance for Idiopathic hypereosinophilic syndrome. Last evaluated: 2025-05-28. Review status: criteria provided, single submitter. Criteria: ACMG Guidelines, 2015. Collection method: clinical testing. Allele origin: germline.

Labcorp Genetics (formerly Invitae), Labcorp
Classification: Uncertain significance for Gastrointestinal stromal tumor. Last evaluated: 2023-01-02. Review status: criteria provided, single submitter. Criteria: Invitae Variant Classification Sherloc (09022015). Collection method: clinical testing. Allele origin: germline.
Comment: In summary, the available evidence is currently insufficient to determine the role of this variant in disease. Therefore, it has been classified as a Variant of Uncertain Significance. Algorithms developed to predict the effect of missense changes on protein structure and function output the following: SIFT: "Tolerated"; PolyPhen-2: "Benign"; Align-GVGD: "Class C0". The aspartic acid amino acid residue is found in multiple mammalian species, which suggests that this missense change does not adversely affect protein function. This variant has not been reported in the literature in individuals affected with PDGFRA-related conditions. This variant is not present in population databases (gnomAD no frequency). This sequence change replaces glutamic acid, which is acidic and polar, with aspartic acid, which is acidic and polar, at codon 298 of the PDGFRA protein (p.Glu298Asp).